The following is an entry in ClinVar:

ClinVar aggregate classification (germline): Uncertain significance (1 of 4 stars; one submission).

Allele frequency attached by ClinVar (database versions not stated): gnomAD exomes below 0.00001; gnomAD 0.00002; TOPMed 0.00002.
gnomAD v4.1: 9 of 1,608,028 alleles (0.00056%); highest among the groups gnomAD compares: Admixed American, 0.0017%; no homozygotes.

Submission:

Labcorp Genetics (formerly Invitae), Labcorp
Classification: Uncertain significance. Last evaluated: 2022-02-27. Review status: criteria provided, single submitter. Criteria: Invitae Variant Classification Sherloc (09022015). Collection method: clinical testing. Allele origin: germline.
Comment: In summary, the available evidence is currently insufficient to determine the role of this variant in disease. Therefore, it has been classified as a Variant of Uncertain Significance. Algorithms developed to predict the effect of missense changes on protein structure and function are either unavailable or do not agree on the potential impact of this missense change (SIFT: "Not Available"; PolyPhen-2: "Benign"; Align-GVGD: "Not Available"). This variant has not been reported in the literature in individuals affected with MCPH1-related conditions. This variant is present in population databases (no rsID available, gnomAD 0.01%). This sequence change replaces glycine, which is neutral and non-polar, with arginine, which is basic and polar, at codon 643 of the MCPH1 protein (p.Gly643Arg).

NM_024596.5(MCPH1):c.1927G>C (p.Gly643Arg)

Gene: MCPH1 (microcephalin 1; plus strand). Cytogenetic location: 8p23.1.
Variant type: single nucleotide variant.
Coding change: c.1927G>C on transcript NM_024596.5 (MANE Select); coding-DNA position 1927, G replaced by C.
Protein change: p.Gly643Arg; replaces glycine 643 with arginine.
Molecular consequence: missense variant.
Genome position (GRCh38, 1-based): chr8:6,455,244, G>C. VCF-style: chr8-6455244-G-C. GRCh37 (hg19) VCF-style: chr8-6312765-G-C.
Other names: c.1927G>C, p.Gly643Arg (NM_001322042.2, NM_001363979.1, NM_001363980.2 and 2 more transcripts); short protein forms G643R.
Identifiers: ClinVar variation 1900162 (VCV001900162.3), dbSNP rs964351268, ClinGen allele CA171406181.